The following is an entry in ClinVar:

NM_000548.5(TSC2):c.139-6C>T

Gene: TSC2 (TSC complex subunit 2; plus strand). Cytogenetic location: 16p13.3.
Variant type: single nucleotide variant.
Coding change: c.139-6C>T on transcript NM_000548.5 (MANE Select); 6 bases into the intron before coding-DNA position 139, C replaced by T.
Molecular consequence: intron variant.
Genome position (GRCh38, 1-based): chr16:2,050,394, C>T. VCF-style: chr16-2050394-C-T. GRCh37 (hg19) VCF-style: chr16-2100395-C-T.
Other names: c.139-6C>T (NM_001114382.3, NM_021055.3, NM_001370405.1 and 4 more transcripts); c.-88-6C>T (NM_001318831.2); c.-9-6C>T (NM_001318829.2); c.172-6C>T (NM_001318832.2).
Identifiers: ClinVar variation 413623 (VCV000413623.23), dbSNP rs778516569, ClinGen allele CA030153.

ClinVar aggregate classification (germline): Benign/Likely benign. Review status: criteria provided, multiple submitters, no conflicts (2 of 4 stars). 8 submissions from 8 submitters: Benign (3); Likely benign (5). Last evaluated 2026-01-29.

Conditions:
Tuberous sclerosis syndrome (TSC). Also called: Tuberous Sclerosis Complex; Tuberous sclerosis. Identifiers: Orphanet 805, MedGen C0041341, MONDO:0001734.
Tuberous sclerosis 2 (TSC2). Identifiers: Orphanet 805, MedGen C1860707, MONDO:0013199, OMIM 613254.

Allele frequency attached by ClinVar (database versions not stated): gnomAD exomes 0.00001 and 0.00004; ExAC 0.00006; TOPMed 0.00004; gnomAD 0.00002.
gnomAD v4.1: 30 of 1,613,660 alleles (0.0019%); highest among the groups gnomAD compares: Admixed American, 0.0067%; no homozygotes.

Submissions (8):

Labcorp Genetics (formerly Invitae), Labcorp
Classification: Benign for Tuberous sclerosis 2. Last evaluated: 2026-01-29. Review status: criteria provided, single submitter. Criteria: Invitae Variant Classification Sherloc (09022015). Collection method: clinical testing. Allele origin: germline.

Dasa
Classification: Likely benign for Tuberous sclerosis 2. Last evaluated: 2025-12-23. Review status: criteria provided, single submitter. Criteria: DASA Assertion Criteria. Collection method: clinical testing. Allele origin: germline.
Comment: NM_000548.5(TSC2):c.139-6C>T is a splice-region variant. Computational prediction algorithms are consistent with a benign effect. Therefore, based on the currently available evidence, this variant is classified as likely benign.

Myriad Genetics, Inc.
Classification: Benign for Tuberous sclerosis 2. Last evaluated: 2025-04-30. Review status: criteria provided, single submitter. Criteria: Myriad Autosomal Dominant, Autosomal Recessive and X-Linked Classification Criteria (2023). Collection method: clinical testing. Allele origin: unknown.
Comment: This variant is considered benign. This variant is intronic and is not expected to impact mRNA splicing. This variant has been observed at a population frequency that is significantly greater than expected given the associated disease prevalence and penetrance.

All of Us Research Program, National Institutes of Health
Classification: Likely benign for Tuberous sclerosis syndrome. Last evaluated: 2023-12-01. Review status: criteria provided, single submitter. Criteria: ACMG Guidelines, 2015. Collection method: clinical testing. Allele origin: germline. Inheritance: Autosomal dominant inheritance. Observed: 12 variant alleles, 12 heterozygotes.
Comment: This study involves interpretation of variants in research participants for the purpose of population health screening. Participant phenotype was not available at the time of variant classification. Additional details can be found in publication PMID: 35346344, PMCID: PMC8962531

Color Diagnostics, LLC DBA Color Health
Classification: Likely benign for Tuberous sclerosis syndrome. Last evaluated: 2022-09-08. Review status: criteria provided, single submitter. Criteria: ACMG Guidelines, 2015. Collection method: clinical testing. Allele origin: germline.

Genome-Nilou Lab
Classification: Benign for Tuberous sclerosis 2. Last evaluated: 2021-11-07. Review status: criteria provided, single submitter. Criteria: ACMG Guidelines, 2015. Collection method: clinical testing. Allele origin: germline. Affected: no.

Institute for Clinical Genetics, University Hospital TU Dresden, University Hospital TU Dresden
Classification: Likely benign. Last evaluated: 2021-11-03. Review status: criteria provided, single submitter. Criteria: ACMG Guidelines, 2015. Collection method: clinical testing. Allele origin: germline.

GeneDx
Classification: Likely benign. Last evaluated: 2021-03-26. Review status: criteria provided, single submitter. Criteria: GeneDx Variant Classification Process June 2021. Collection method: clinical testing. Allele origin: germline. Affected: yes.